The following is an entry in ClinVar:

NM_014608.6(CYFIP1):c.910G>A (p.Val304Met)

Gene: CYFIP1 (cytoplasmic FMR1 interacting protein 1; minus strand). Cytogenetic location: 15q11.2.
Variant type: single nucleotide variant.
Coding change: c.910G>A on transcript NM_014608.6 (MANE Select); coding-DNA position 910, G replaced by A.
Protein change: p.Val304Met; replaces valine 304 with methionine.
Molecular consequence: missense variant. On other transcripts: 5 prime UTR variant (1).
Genome position (GRCh38, 1-based): chr15:22,933,884, C>T on the plus strand (G>A on the coding strand, the complement: CYFIP1 is on the minus strand). VCF-style: chr15-22933884-C-T. GRCh37 (hg19) VCF-style: chr15-22939184-G-A.
Other names: c.910G>A, p.Val304Met (NM_001287810.4, NM_001324120.2, NM_001324123.3); c.1012G>A, p.Val338Met (NM_001324119.2); c.-919G>A (NM_001324122.3); c.820G>A, p.Val274Met (NM_001324124.3); c.544G>A, p.Val182Met (NM_001324125.3); c.808G>A, p.Val270Met (NM_001324126.3); short protein forms V182M, V270M, V274M, V304M, V338M.
Identifiers: ClinVar variation 2644944 (VCV002644944.24), dbSNP rs2142239714, ClinGen allele CA391319785.
Genomic context (GRCh38, chr15:22,933,884, plus strand): 5'-GGGCGCTGGTCTTGATATATCTTGCCAGTTCTATTTGCATGTCCCCAAATAGCGGAACCA[C>T]CTGGAGTTGCTGTATTCAAAGAACAAAAAAATAGAGTCATTATGTATATTTAGTCACCAA-3'
Protein context (NP_055423.1, residues 294-314): KIDKYFKQLQ[Val304Met]VPLFGDMQIE

ClinVar aggregate classification (germline): Uncertain significance (1 of 4 stars; one submission).

Allele frequency attached by ClinVar (database versions not stated): gnomAD exomes below 0.00001.
gnomAD v4.1: 1 of 1,610,120 alleles (0.000062%); highest among the groups gnomAD compares: Non-Finnish European, 0.000085%; no homozygotes.

Submission:

CeGaT Center for Human Genetics Tuebingen
Classification: Uncertain significance. Last evaluated: 2023-08-01. Review status: criteria provided, single submitter. Criteria: CeGaT Center For Human Genetics Tuebingen Variant Classification Criteria Version 2. Collection method: clinical testing. Allele origin: germline. Affected: yes. Observed: 1 variant allele.
Comment: CYFIP1: PM2